The following is an entry in ClinVar:

ClinVar aggregate classification (germline): Conflicting classifications of pathogenicity. Review status: criteria provided, conflicting classifications (1 of 4 stars). 4 submissions from 4 submitters: Pathogenic (1); Likely pathogenic (1); Uncertain significance (2). Last evaluated 2026-09-25.

Conditions:
ABCA4-related disorder. Also called: ABCA4-related condition; ABCA4-related disorders. Identifiers: MedGen CN239167.

Allele frequency attached by ClinVar (database versions not stated): gnomAD exomes 0.00006 and 0.00007; ExAC 0.00007; TOPMed 0.00007; gnomAD 0.00009.
gnomAD v4.1: 97 of 1,614,032 alleles (0.006%); highest among the groups gnomAD compares: Middle Eastern, 0.016%; no homozygotes.

Submissions (4):

PreventionGenetics, part of Exact Sciences
Classification: Likely pathogenic for ABCA4-related condition. Last evaluated: 2026-09-25. Review status: criteria provided, single submitter. Criteria: ACMG Guidelines, 2015. Collection method: clinical testing. Allele origin: germline.
Comment: The ABCA4 c.2431C>T variant is predicted to result in the amino acid substitution p.Arg811Cys. This variant has been reported in the compound heterozygous state in an individual with Stargardt disease (reported as p.R881C in Singh et al. 2014. PubMed ID: 24428930). The authors suggest that this variant is likely a mild allele that only leads to disease when in trans with a more severe null allele. This variant is reported in 0.012% of alleles in individuals of European (Non-Finnish) descent in gnomAD v2. However, in gnomAD v4 (available only on GRCh38), this variant is reported in 0.009998% of individuals of admixed American descent. This variant is interpreted as likely pathogenic.

Labcorp Genetics (formerly Invitae), Labcorp
Classification: Pathogenic. Last evaluated: 2026-01-21. Review status: criteria provided, single submitter. Criteria: Invitae Variant Classification Sherloc (09022015). Collection method: clinical testing. Allele origin: germline.
Comment: This sequence change replaces arginine, which is basic and polar, with cysteine, which is neutral and slightly polar, at codon 811 of the ABCA4 protein (p.Arg811Cys). This variant is present in population databases (rs758777521, gnomAD 0.01%). This missense change has been observed in individual(s) with retinitis pigmentosa and/or Stargardt disease (PMID: 24428930, 34315337). In at least one individual the data is consistent with being in trans (on the opposite chromosome) from a pathogenic variant. ClinVar contains an entry for this variant (Variation ID: 857838). Invitae Evidence Modeling of protein sequence and biophysical properties (such as structural, functional, and spatial information, amino acid conservation, physicochemical variation, residue mobility, and thermodynamic stability) indicates that this missense variant is expected to disrupt ABCA4 protein function with a positive predictive value of 95%. For these reasons, this variant has been classified as Pathogenic.

Women's Health and Genetics/Laboratory Corporation of America, LabCorp
Classification: Uncertain significance. Last evaluated: 2025-08-15. Review status: criteria provided, single submitter. Criteria: LabCorp Variant Classification Summary - May 2015. Collection method: clinical testing. Allele origin: germline.
Comment: Variant summary: ABCA4 c.2431C>T (p.Arg811Cys) results in a non-conservative amino acid change located in the ABC-2 type transporter, transmembrane domain (IPR013525) of the encoded protein sequence. Algorithms developed to predict the effect of missense changes on protein structure and function are either unavailable or do not agree on the potential impact of this missense change. The variant allele was found at a frequency of 6.8e-05 in 250982 control chromosomes. This frequency is not significantly higher than estimated for a pathogenic variant in ABCA4 causing Stargardt Disease (6.8e-05 vs 0.0014), allowing no conclusion about variant significance. c.2431C>T has been reported in the literature in the compound heterozygous state in an individual affected with Stargardt Disease and as a heterozygous genotype in an individual affected with retinitis pigmentosa (Singh_2014, Duzkale_2021). It has also been reported in the heterozygous state as part of a complex allele in an individual suspected of Stargardt Disease (Khan_2020). These data do not allow any conclusion about variant significance. To our knowledge, no experimental evidence demonstrating an impact on protein function has been reported. The following publications have been ascertained in the context of this evaluation (PMID: 34315337, 32307445, 24428930). ClinVar contains an entry for this variant (Variation ID: 857838). Based on the evidence outlined above, the variant was classified as uncertain significance.

Blueprint Genetics
Classification: Uncertain significance. Last evaluated: 2024-01-17. Review status: criteria provided, single submitter. Criteria: ACMG Guidelines, 2015. Collection method: clinical testing. Allele origin: germline.

Literature cited by the submitters: PubMed 24428930 (cited by Labcorp Genetics (formerly Invitae), Labcorp and Women's Health and Genetics/Laboratory Corporation of America, LabCorp); PubMed 34315337 (cited by Labcorp Genetics (formerly Invitae), Labcorp and Women's Health and Genetics/Laboratory Corporation of America, LabCorp); PubMed 32307445 (cited by Women's Health and Genetics/Laboratory Corporation of America, LabCorp).

NM_000350.3(ABCA4):c.2431C>T (p.Arg811Cys)

Gene: ABCA4 (ATP binding cassette subfamily A member 4; minus strand). Cytogenetic location: 1p22.1.
Variant type: single nucleotide variant.
Coding change: c.2431C>T on transcript NM_000350.3 (MANE Select); coding-DNA position 2431, C replaced by T.
Protein change: p.Arg811Cys; replaces arginine 811 with cysteine.
Molecular consequence: missense variant.
Genome position (GRCh38, 1-based): chr1:94,055,267, G>A on the plus strand (C>T on the coding strand, the complement: ABCA4 is on the minus strand). VCF-style: chr1-94055267-G-A. GRCh37 (hg19) VCF-style: chr1-94520823-G-A.
Other names: c.2209C>T, p.Arg737Cys (NM_001425324.1); short protein forms R811C, R737C.
Identifiers: ClinVar variation 857838 (VCV000857838.14), dbSNP rs758777521, ClinGen allele CA958269.